The following is an entry in ClinVar:

NC_000007.14:g.(?_92225700)_(92226702_?)del

Gene: KRIT1 (KRIT1 ankyrin repeat containing; minus strand). Cytogenetic location: 7q21.2.
Variant type: Deletion.
Identifiers: ClinVar variation 536123 (VCV000536123.8).

ClinVar aggregate classification (germline): Pathogenic (1 of 4 stars; one submission).

Conditions:
Cerebral cavernous malformation (CCM). Also called: CAVERNOUS ANGIOMA, FAMILIAL; CAVERNOUS ANGIOMATOUS MALFORMATIONS; CEREBRAL CAPILLARY MALFORMATIONS; Cavernous Hemangioma of Brain; Cerebral cavernous hemangioma (type); Cerebral cavernous malformations. Identifiers: Orphanet 221061, MedGen C2919945, MONDO:0000820, OMIM 116860, HP:0033522.

Submission:

Labcorp Genetics (formerly Invitae), Labcorp
Classification: Pathogenic for Cerebral cavernous malformation. Last evaluated: 2023-12-20. Review status: criteria provided, single submitter. Criteria: Invitae Variant Classification Sherloc (09022015). Collection method: clinical testing. Allele origin: germline.
Comment: This variant is a gross deletion of the genomic region encompassing exon(s) 12-13 of the KRIT1 gene. This deletion is out-of-frame, and is expected to create a premature termination codon and result in an absent or disrupted protein product. Loss-of-function variants in KRIT1 are known to be pathogenic (PMID: 10508515, 11222804, 12404106, 24689081). This variant has not been reported in the literature in individuals affected with KRIT1-related conditions. For these reasons, this variant has been classified as Pathogenic.

Literature cited by the submitters: PubMed 10508515; PubMed 11222804; PubMed 12404106; PubMed 24689081.